The following is an entry in ClinVar:

NM_000256.3(MYBPC3):c.2164G>A (p.Glu722Lys)

Gene: MYBPC3 (myosin binding protein C3; minus strand). Cytogenetic location: 11p11.2.
Variant type: single nucleotide variant.
Coding change: c.2164G>A on transcript NM_000256.3 (MANE Select); coding-DNA position 2164, G replaced by A.
Protein change: p.Glu722Lys; replaces glutamic acid 722 with lysine.
Molecular consequence: missense variant.
Genome position (GRCh38, 1-based): chr11:47,338,664, C>T on the plus strand (G>A on the coding strand, the complement: MYBPC3 is on the minus strand). VCF-style: chr11-47338664-C-T. GRCh37 (hg19) VCF-style: chr11-47360215-C-T.
Other names: p.E722K:GAG>AAG; c.2164G>A, p.Glu722Lys (LRG_386t1); short protein forms E722K.
Identifiers: ClinVar variation 181125 (VCV000181125.20), dbSNP rs730880696, ClinGen allele CA011802.

ClinVar aggregate classification (germline): Uncertain significance. Review status: criteria provided, multiple submitters, no conflicts (2 of 4 stars). 7 submissions from 7 submitters: Uncertain significance (7). Last evaluated 2025-11-24.

Conditions:
MYBPC3-related disorder. Also called: MYBPC3-related disorders; MYBPC3-related condition; MYBPC3-related disease.
Cardiovascular phenotype. Identifiers: MedGen CN230736.
Cardiomyopathy (CMYO). Also called: Cardiomyopathies. Identifiers: Orphanet 167848, MedGen C0878544, MONDO:0004994, HP:0001638. Inheritance: Various modes of inheritance.
Hypertrophic cardiomyopathy. Also called: HYPERTROPHIC MYOCARDIOPATHY. Identifiers: Orphanet 217569, MedGen C0007194, MeSH D002312, MONDO:0005045, HP:0001639.

Allele frequency attached by ClinVar (database versions not stated): gnomAD 0.00001; TOPMed 0.00002.
gnomAD v4.1: 22 of 1,612,292 alleles (0.0014%); highest among the groups gnomAD compares: South Asian, 0.0088%; no homozygotes.

Submissions (7):

Labcorp Genetics (formerly Invitae), Labcorp
Classification: Uncertain significance for Hypertrophic cardiomyopathy. Last evaluated: 2025-11-24. Review status: criteria provided, single submitter. Criteria: Invitae Variant Classification Sherloc (09022015). Collection method: clinical testing. Allele origin: germline.
Comment: This sequence change replaces glutamic acid, which is acidic and polar, with lysine, which is basic and polar, at codon 722 of the MYBPC3 protein (p.Glu722Lys). This variant is present in population databases (rs730880696, gnomAD 0.01%). This missense change has been observed in individual(s) with clinical features of MYBPC3-related conditions (PMID: 21520333). ClinVar contains an entry for this variant (Variation ID: 181125). An algorithm developed to predict the effect of missense changes on protein structure and function (PolyPhen-2) suggests that this variant is likely to be disruptive. In summary, the available evidence is currently insufficient to determine the role of this variant in disease. Therefore, it has been classified as a Variant of Uncertain Significance.

PreventionGenetics, part of Exact Sciences
Classification: Uncertain significance for MYBPC3-related condition. Last evaluated: 2025-08-26. Review status: criteria provided, single submitter. Criteria: ACMG Guidelines, 2015. Collection method: clinical testing. Allele origin: germline.
Comment: The MYBPC3 c.2164G>A variant is predicted to result in the amino acid substitution p.Glu722Lys. This variant has been reported in an individual as part of the Leiden Open Variation Database, but no clinical information was provided (Fokkema et al. 2011. PubMed ID: 21520333). This variant is reported in 0.011% of alleles in individuals of East Asian descent in gnomAD and is interpreted as uncertain in ClinVar. At this time, the clinical significance of this variant is uncertain due to the absence of conclusive functional and genetic evidence.

Ambry Genetics
Classification: Uncertain significance for Cardiovascular phenotype. Last evaluated: 2025-07-09. Review status: criteria provided, single submitter. Criteria: Ambry Variant Classification Scheme 2023. Collection method: clinical testing. Allele origin: germline.
Comment: The p.E722K variant (also known as c.2164G>A), located in coding exon 23 of the MYBPC3 gene, results from a G to A substitution at nucleotide position 2164. The glutamic acid at codon 722 is replaced by lysine, an amino acid with similar properties. This amino acid position is not well conserved in available vertebrate species. In addition, this alteration is predicted to be tolerated by in silico analysis. Based on the available evidence, the clinical significance of this variant remains unclear.

GeneDx
Classification: Uncertain significance. Last evaluated: 2025-07-09. Review status: criteria provided, single submitter. Criteria: GeneDx Variant Classification Process June 2021. Collection method: clinical testing. Allele origin: germline. Affected: yes.
Comment: In silico analysis suggests that this missense variant does not alter protein structure/function; Has not been previously published as pathogenic or benign to our knowledge

All of Us Research Program, National Institutes of Health
Classification: Uncertain significance for Hypertrophic cardiomyopathy. Last evaluated: 2024-03-24. Review status: criteria provided, single submitter. Criteria: ACMG Guidelines, 2015. Collection method: clinical testing. Allele origin: germline. Inheritance: Autosomal dominant inheritance. Observed: 6 variant alleles, 6 heterozygotes.
Comment: This missense variant replaces glutamic acid with lysine at codon 722 of the MYBPC3 protein. Computational prediction suggests that this variant may not impact protein structure and function (internally defined REVEL score threshold <= 0.5, PMID: 27666373). To our knowledge, functional studies have not been reported for this variant. This variant has not been reported in individuals affected with cardiovascular disorders in the literature. This variant has been identified in 8/245704 chromosomes in the general population by the Genome Aggregation Database (gnomAD). The available evidence is insufficient to determine the role of this variant in disease conclusively. Therefore, this variant is classified as a Variant of Uncertain Significance.

This study involves interpretation of variants in research participants for the purpose of population health screening. Participant phenotype was not available at the time of variant classification. Additional details can be found in publication PMID: 35346344, PMCID: PMC8962531

Color Diagnostics, LLC DBA Color Health
Classification: Uncertain significance for Cardiomyopathy. Last evaluated: 2024-02-20. Review status: criteria provided, single submitter. Criteria: ACMG Guidelines, 2015. Collection method: clinical testing. Allele origin: germline.
Comment: This missense variant replaces glutamic acid with lysine at codon 722 of the MYBPC3 protein. Computational prediction tools indicate that this variant has a neutral impact on protein structure and function. To our knowledge, functional studies have not been reported for this variant. This variant has not been reported in individuals affected with MYBPC3-related disorders in the literature. This variant has been identified in 8/245704 chromosomes in the general population by the Genome Aggregation Database (gnomAD). The available evidence is insufficient to determine the role of this variant in disease conclusively. Therefore, this variant is classified as a Variant of Uncertain Significance.

Breakthrough Genomics
Classification: Uncertain significance. Review status: criteria provided, single submitter. Criteria: ACMG Guidelines, 2015. Collection method: not provided. Allele origin: germline. Inheritance: Autosomal recessive inheritance. Affected: yes.

Literature cited by the submitters: PubMed 21520333 (cited by Labcorp Genetics (formerly Invitae), Labcorp).